The following is an entry in ClinVar:

ClinVar aggregate classification (germline): Pathogenic (1 of 4 stars; one submission).

Conditions:
Dilated cardiomyopathy 1HH (CMD1HH). Identifiers: Orphanet 154, MedGen C3151293, MONDO:0013479, OMIM 613881.
Myofibrillar myopathy 6. Identifiers: Orphanet 199340, MedGen C2751831, MONDO:0013061, OMIM 612954.

Submission:

Labcorp Genetics (formerly Invitae), Labcorp
Classification: Pathogenic for Dilated cardiomyopathy 1HH; Myofibrillar myopathy 6. Last evaluated: 2023-04-06. Review status: criteria provided, single submitter. Criteria: Invitae Variant Classification Sherloc (09022015). Collection method: clinical testing. Allele origin: germline.
Comment: This sequence change creates a premature translational stop signal (p.Gln116*) in the BAG3 gene. It is expected to result in an absent or disrupted protein product. Loss-of-function variants in BAG3 are known to be pathogenic (PMID: 21353195, 25008357). This variant is not present in population databases (gnomAD no frequency). This variant has not been reported in the literature in individuals affected with BAG3-related conditions. For these reasons, this variant has been classified as Pathogenic.

Literature cited by the submitters: PubMed 21353195; PubMed 25008357.

NM_004281.4(BAG3):c.346C>T (p.Gln116Ter)

Gene: BAG3 (BAG cochaperone 3; plus strand). Cytogenetic location: 10q26.11.
Variant type: single nucleotide variant.
Coding change: c.346C>T on transcript NM_004281.4 (MANE Select); coding-DNA position 346, C replaced by T.
Protein change: p.Gln116Ter; replaces glutamine 116 with a stop codon.
Molecular consequence: nonsense.
Genome position (GRCh38, 1-based): chr10:119,670,016, C>T. VCF-style: chr10-119670016-C-T. GRCh37 (hg19) VCF-style: chr10-121429528-C-T.
Other names: short protein forms Q116*.
Identifiers: ClinVar variation 2946157 (VCV002946157.3), dbSNP rs2494009473, ClinGen allele CA378294907.